The following is an entry in ClinVar:

NM_001110556.2(FLNA):c.58G>A (p.Gly20Ser)

Gene: FLNA (filamin A; minus strand). Cytogenetic location: Xq28.
Variant type: single nucleotide variant.
Coding change: c.58G>A on transcript NM_001110556.2 (MANE Select); coding-DNA position 58, G replaced by A.
Protein change: p.Gly20Ser; replaces glycine 20 with serine.
Molecular consequence: missense variant.
Genome position (GRCh38, 1-based): chrX:154,371,188, C>T on the plus strand (G>A on the coding strand, the complement: FLNA is on the minus strand). VCF-style: chrX-154371188-C-T. GRCh37 (hg19) VCF-style: chrX-153599556-C-T.
Other names: c.58G>A (NM_001456.3); c.58G>A, p.Gly20Ser (NM_001456.4); short protein forms G20S.
Identifiers: ClinVar variation 1968600 (VCV001968600.5), dbSNP rs1557180247, ClinGen allele CA415255764.

ClinVar aggregate classification (germline): Uncertain significance. Review status: criteria provided, multiple submitters, no conflicts (2 of 4 stars). 2 submissions from 2 submitters: Uncertain significance (2). Last evaluated 2026-01-17.

Conditions:
Heterotopia, periventricular, X-linked dominant (PVNH1). Also called: PERIVENTRICULAR NODULAR HETEROTOPIA 1; PERIVENTRICULAR NODULAR HETEROTOPIA 4; HETEROTOPIA, PERIVENTRICULAR, 1; X-linked periventricular heterotopia. Identifiers: Orphanet 2149, Orphanet 82004, MedGen C1848213, MONDO:0010233, OMIM 300049.
Melnick-Needles syndrome (MNS). Also called: Melnick-Needles Syndrome (FLNA-MNS); MELNICK-NEEDLES OSTEODYSPLASTY; OSTEODYSPLASTY OF MELNICK AND NEEDLES. Identifiers: Orphanet 2484, MedGen C0025237, MONDO:0010650, OMIM 309350.
Oto-palato-digital syndrome, type II (OPD2). Also called: Otopalatodigital Syndrome Type 2 (FLNA-OPD2); FACIOPALATOOSSEOUS SYNDROME; OPD II SYNDROME; Otopalatodigital Syndrome, Type II. Identifiers: Orphanet 669, Orphanet 90652, MedGen C1844696, MONDO:0010571, OMIM 304120.
Frontometaphyseal dysplasia (FMD1). Identifiers: Orphanet 1826, MedGen C0265293, MONDO:0015942.

gnomAD v4.1: 2 of 1,195,326 alleles (0.00017%); highest among the groups gnomAD compares: Non-Finnish European, 0.00023%; no homozygotes.

Submissions (2):

Labcorp Genetics (formerly Invitae), Labcorp
Classification: Uncertain significance for Oto-palato-digital syndrome, type II; Heterotopia, periventricular, X-linked dominant; Frontometaphyseal dysplasia; Melnick-Needles syndrome. Last evaluated: 2026-01-17. Review status: criteria provided, single submitter. Criteria: Invitae Variant Classification Sherloc (09022015). Collection method: clinical testing. Allele origin: germline.
Comment: This sequence change replaces glycine, which is neutral and non-polar, with serine, which is neutral and polar, at codon 20 of the FLNA protein (p.Gly20Ser). This variant is not present in population databases (gnomAD no frequency). This variant has not been reported in the literature in individuals affected with FLNA-related conditions. ClinVar contains an entry for this variant (Variation ID: 1968600). Invitae Evidence Modeling of protein sequence and biophysical properties (such as structural, functional, and spatial information, amino acid conservation, physicochemical variation, residue mobility, and thermodynamic stability) indicates that this missense variant is not expected to disrupt FLNA protein function with a negative predictive value of 95%. In summary, the available evidence is currently insufficient to determine the role of this variant in disease. Therefore, it has been classified as a Variant of Uncertain Significance.

GeneDx
Classification: Uncertain significance. Last evaluated: 2025-08-11. Review status: criteria provided, single submitter. Criteria: GeneDx Variant Classification Process June 2021. Collection method: clinical testing. Allele origin: germline. Affected: yes.
Comment: In silico analysis suggests that this missense variant does not alter protein structure/function; Has not been previously published as pathogenic or benign to our knowledge